The following is an entry in ClinVar:

ClinVar aggregate classification (germline): Benign/Likely benign. Review status: criteria provided, multiple submitters, no conflicts (2 of 4 stars). 3 submissions from 3 submitters: Benign (1); Likely benign (2). Last evaluated 2026-05-12.

Allele frequency attached by ClinVar (database versions not stated): gnomAD exomes 0.00046 and 0.00121; ExAC 0.00126; gnomAD 0.00282 and 0.00288; ESP Exome Variant Server 0.00315; TOPMed 0.00327; 1000 Genomes Project 30x 0.00359; 1000 Genomes Project 0.00439.
gnomAD v4.1: 1,130 of 1,581,258 alleles (0.071%); highest among the groups gnomAD compares: African/African-American, 0.96%; 14 homozygotes.

Submissions (3):

Women's Health and Genetics/Laboratory Corporation of America, LabCorp
Classification: Likely benign. Last evaluated: 2026-05-12. Review status: criteria provided, single submitter. Criteria: LabCorp Variant Classification Summary - May 2015. Collection method: clinical testing. Allele origin: germline.

CeGaT Center for Human Genetics Tuebingen
Classification: Likely benign. Last evaluated: 2022-08-01. Review status: criteria provided, single submitter. Criteria: CeGaT Center For Human Genetics Tuebingen Variant Classification Criteria Version 2. Collection method: clinical testing. Allele origin: germline. Affected: yes. Observed: 1 variant allele.
Comment: IPO8: BP4, BS2

Labcorp Genetics (formerly Invitae), Labcorp
Classification: Benign. Last evaluated: 2019-12-31. Review status: criteria provided, single submitter. Criteria: Invitae Variant Classification Sherloc (09022015). Collection method: clinical testing. Allele origin: germline.

NM_006390.4(IPO8):c.824+7A>G

Gene: IPO8 (importin 8; minus strand). Cytogenetic location: 12p11.21.
Variant type: single nucleotide variant.
Coding change: c.824+7A>G on transcript NM_006390.4 (MANE Select); 7 bases into the intron after coding-DNA position 824, A replaced by G.
Molecular consequence: intron variant.
Genome position (GRCh38, 1-based): chr12:30,674,652, T>C on the plus strand (A>G on the coding strand, the complement: IPO8 is on the minus strand). VCF-style: chr12-30674652-T-C. GRCh37 (hg19) VCF-style: chr12-30827586-T-C.
Other names: c.209+7A>G (NM_001190995.2).
Identifiers: ClinVar variation 725614 (VCV000725614.29), dbSNP rs142168065, ClinGen allele CA6499116.